The following is an entry in ClinVar:

ClinVar aggregate classification (germline): Conflicting classifications of pathogenicity. Review status: criteria provided, conflicting classifications (1 of 4 stars). 3 submissions from 3 submitters: Uncertain significance (1); Likely benign (1). 1 of the submissions does not count toward it. Last evaluated 2025-11-05.

Conditions:
Agammaglobulinemia 3, autosomal recessive (AGM3). Also called: AGAMMAGLOBULINEMIA 3; AGAMMAGLOBULINEMIA, AUTOSOMAL RECESSIVE, DUE TO CD79A DEFECT. Identifiers: MedGen C3150751, MONDO:0013288, OMIM 613501.

Allele frequency attached by ClinVar (database versions not stated): 1000 Genomes Project 30x 0.00094; gnomAD 0.00001 and 0.00017; TOPMed 0.00002; gnomAD exomes 0.00032 and 0.00063; ExAC 0.00069; 1000 Genomes Project 0.00080.
gnomAD v4.1: 498 of 1,614,190 alleles (0.031%); highest among the groups gnomAD compares: South Asian, 0.51%; 6 homozygotes.

Submissions (3):

Labcorp Genetics (formerly Invitae), Labcorp
Classification: Likely benign for Agammaglobulinemia 3, autosomal recessive. Last evaluated: 2025-11-05. Review status: criteria provided, single submitter. Criteria: Invitae Variant Classification Sherloc (09022015). Collection method: clinical testing. Allele origin: germline.

Genomic Diagnostic Laboratory, Division of Genomic Diagnostics, Children's Hospital of Philadelphia
Classification: Uncertain significance. Last evaluated: 2015-08-03. Review status: criteria provided, single submitter. Criteria: DGD Variant Analysis Guidelines. Collection method: clinical testing. Allele origin: unknown.

ITMI
No classification provided. Condition: AllHighlyPenetrant. Last evaluated: 2013-09-19. Review status: no classification provided. Collection method: reference population. Allele origin: germline. Not counted in ClinVar's aggregate classification.
Comment: Please see associated publication for description of ethnicities

Literature cited by the submitters: PubMed 24728327 (cited by ITMI).

NM_001783.4(CD79A):c.28G>A (p.Ala10Thr)

Genes: CD79A (CD79a molecule; plus strand), RPS19-CD79A (RPS19-CD79A readthrough; plus strand). Cytogenetic location: 19q13.2.
Variant type: single nucleotide variant.
Coding change: c.28G>A on transcript NM_001783.4 (MANE Select); coding-DNA position 28, G replaced by A.
Protein change: p.Ala10Thr; replaces alanine 10 with threonine.
Molecular consequence: missense variant.
Genome position (GRCh38, 1-based): chr19:41,877,332, G>A. VCF-style: chr19-41877332-G-A. GRCh37 (hg19) VCF-style: chr19-42381402-G-A.
Other names: c.28G>A, p.Ala10Thr (NM_021601.4); short protein forms A10T.
Identifiers: ClinVar variation 133831 (VCV000133831.11), dbSNP rs371184689, ClinGen allele CA248732.